The following is an entry in ClinVar:

NM_025114.4(CEP290):c.1066-3T>C

Gene: CEP290 (centrosomal protein 290; minus strand). Cytogenetic location: 12q21.32.
Variant type: single nucleotide variant.
Coding change: c.1066-3T>C on transcript NM_025114.4 (MANE Select); 3 bases into the intron before coding-DNA position 1066, T replaced by C.
Molecular consequence: intron variant.
Genome position (GRCh38, 1-based): chr12:88,125,372, A>G on the plus strand (T>C on the coding strand, the complement: CEP290 is on the minus strand). VCF-style: chr12-88125372-A-G. GRCh37 (hg19) VCF-style: chr12-88519149-A-G.
Other names: c.1066-3T>C (NM_025114.3).
Identifiers: ClinVar variation 1009289 (VCV001009289.9), dbSNP rs996569804, ClinGen allele CA241154827.

ClinVar aggregate classification (germline): Conflicting classifications of pathogenicity. Review status: criteria provided, conflicting classifications (1 of 4 stars). 4 submissions from 4 submitters: Uncertain significance (1); Likely benign (2). 1 of the submissions does not count toward it. Last evaluated 2026-06-16.

Conditions:
Joubert syndrome. Also called: Familial aplasia of the vermis; JOUBERT-BOLTSHAUSER SYNDROME. Identifiers: Orphanet 475, MedGen C5979921, MONDO:0018772.
Nephronophthisis. Also called: Juvenile Nephronophthisis. Identifiers: Orphanet 655, MedGen C0687120, MONDO:0019005, HP:0000090.
Meckel-Gruber syndrome. Also called: DYSENCEPHALIA SPLANCHNOCYSTICA; GRUBER SYNDROME; Dysencephalia splachnocystica. Identifiers: Orphanet 564, MedGen C0265215, MONDO:0018921.
CEP290-related disorder. Also called: CEP290-related disorders; CEP290-related condition. Identifiers: MedGen CN239314.
Leber congenital amaurosis (LCA). Also called: Leber's amaurosis. Identifiers: Orphanet 65, MedGen C0339527, MeSH D057130, MONDO:0018998.

Allele frequency attached by ClinVar (database versions not stated): gnomAD exomes below 0.00001; gnomAD 0.00001; TOPMed 0.00001.
gnomAD v4.1: 5 of 1,268,554 alleles (0.00039%); highest among the groups gnomAD compares: East Asian, 0.0031%; no homozygotes.

Submissions (4):

PreventionGenetics, part of Exact Sciences
Classification: Likely benign for CEP290-related condition. Last evaluated: 2026-06-16. Review status: criteria provided, single submitter. Criteria: ACMG Guidelines, 2015. Collection method: clinical testing. Allele origin: germline.
Comment: This variant is classified as likely benign based on ACMG/AMP sequence variant interpretation guidelines (Richards et al. 2015 PMID: 25741868, with internal and published modifications).

Labcorp Genetics (formerly Invitae), Labcorp
Classification: Uncertain significance for Joubert syndrome; Meckel-Gruber syndrome; Nephronophthisis. Last evaluated: 2023-11-27. Review status: criteria provided, single submitter. Criteria: Invitae Variant Classification Sherloc (09022015). Collection method: clinical testing. Allele origin: germline.
Comment: This sequence change falls in intron 12 of the CEP290 gene. It does not directly change the encoded amino acid sequence of the CEP290 protein. It affects a nucleotide within the consensus splice site. This variant is not present in population databases (gnomAD no frequency). This variant has not been reported in the literature in individuals affected with CEP290-related conditions. ClinVar contains an entry for this variant (Variation ID: 1009289). Variants that disrupt the consensus splice site are a relatively common cause of aberrant splicing (PMID: 17576681, 9536098). Algorithms developed to predict the effect of sequence changes on RNA splicing suggest that this variant is not likely to affect RNA splicing. In summary, the available evidence is currently insufficient to determine the role of this variant in disease. Therefore, it has been classified as a Variant of Uncertain Significance.

Blueprint Genetics
Classification: Likely benign. Last evaluated: 2020-04-09. Review status: criteria provided, single submitter. Criteria: ACMG Guidelines, 2015. Collection method: clinical testing. Allele origin: germline.

Natera, Inc.
Classification: Uncertain significance for Leber congenital amaurosis. Last evaluated: 2020-01-18. Review status: no assertion criteria provided. Collection method: clinical testing. Allele origin: germline. Not counted in ClinVar's aggregate classification.

Literature cited by the submitters: PubMed 17576681 (cited by Labcorp Genetics (formerly Invitae), Labcorp); PubMed 9536098 (cited by Labcorp Genetics (formerly Invitae), Labcorp).